The following is an entry in ClinVar:

ClinVar aggregate classification (germline): Uncertain significance (1 of 4 stars; one submission).

Conditions:
Legius syndrome. Identifiers: Orphanet 137605, MedGen C1969623, MONDO:0012669, OMIM 611431. Disease mechanism: loss of function.

Submission:

Labcorp Genetics (formerly Invitae), Labcorp
Classification: Uncertain significance for Legius syndrome. Last evaluated: 2025-08-05. Review status: criteria provided, single submitter. Criteria: Invitae Variant Classification Sherloc (09022015). Collection method: clinical testing. Allele origin: germline.
Comment: This sequence change replaces aspartic acid, which is acidic and polar, with valine, which is neutral and non-polar, at codon 291 of the SPRED1 protein (p.Asp291Val). This variant is not present in population databases (gnomAD no frequency). This variant has not been reported in the literature in individuals affected with SPRED1-related conditions. ClinVar contains an entry for this variant (Variation ID: 2740733). Invitae Evidence Modeling of protein sequence and biophysical properties (such as structural, functional, and spatial information, amino acid conservation, physicochemical variation, residue mobility, and thermodynamic stability) indicates that this missense variant is not expected to disrupt SPRED1 protein function with a negative predictive value of 80%. In summary, the available evidence is currently insufficient to determine the role of this variant in disease. Therefore, it has been classified as a Variant of Uncertain Significance.

NM_152594.3(SPRED1):c.872A>T (p.Asp291Val)

Gene: SPRED1 (sprouty related EVH1 domain containing 1; plus strand). Cytogenetic location: 15q14.
Variant type: single nucleotide variant.
Coding change: c.872A>T on transcript NM_152594.3 (MANE Select); coding-DNA position 872, A replaced by T.
Protein change: p.Asp291Val; replaces aspartic acid 291 with valine.
Molecular consequence: missense variant.
Genome position (GRCh38, 1-based): chr15:38,351,201, A>T. VCF-style: chr15-38351201-A-T. GRCh37 (hg19) VCF-style: chr15-38643402-A-T.
Other names: short protein forms D291V.
Identifiers: ClinVar variation 2740733 (VCV002740733.3), dbSNP rs2542742860, ClinGen allele CA391933442.
Genomic context (GRCh38, chr15:38,351,201, plus strand): 5'-TGGAAAGAGATGATGCTGATTCCAGTATTCAGTTTTCTAAACCAGACAGTAAAAAATCAG[A>T]CTATCTGTACTCTTGTGGGGATGAGACTAAGTTAAGTTCACCCAAAGACTCTGTGGTATT-3'
Protein context (NP_689807.1, residues 281-301): QFSKPDSKKS[Asp291Val]YLYSCGDETK